The following is an entry in ClinVar:

NM_016529.6(ATP8A2):c.210del (p.Asp70fs)

Gene: ATP8A2 (ATPase phospholipid transporting 8A2). Cytogenetic location: 13q12.13.
Variant type: Deletion.
Coding change: c.210del on transcript NM_016529.6 (MANE Select); coding-DNA position 210, one base deleted.
Protein change: p.Asp70fs; shifts the reading frame from aspartic acid 70.
Molecular consequence: frameshift variant.
Genome position: GRCh38 VCF-style: chr13-25469109-AC-A. GRCh37 (hg19) VCF-style: chr13-26043247-AC-A.
Other names: c.90del, p.Asp30fs (NM_001313741.1); short protein forms D30fs, D70fs.
Identifiers: ClinVar variation 930222 (VCV000930222.3), dbSNP rs2035763126, ClinGen allele CA1139663032.

ClinVar aggregate classification (germline): Likely pathogenic (1 of 4 stars; one submission).

Conditions:
Cerebellar ataxia, impaired intellectual development, and dysequilibrium syndrome 4. Also called: CEREBELLAR ATAXIA AND MENTAL RETARDATION WITH OR WITHOUT QUADRUPEDAL LOCOMOTION 4; Cerebellar ataxia, mental retardation, and dysequilibrium syndrome 4; Cerebellar ataxia, intellectual disability, and dysequilibrium syndrome 4. Identifiers: Orphanet 1766, MedGen C3808977, MONDO:0014104, OMIM 615268.

Submission:

Centre for Mendelian Genomics, University Medical Centre Ljubljana
Classification: Likely pathogenic for Cerebellar ataxia, impaired intellectual development, and dysequilibrium syndrome 4. Last evaluated: 2018-10-25. Review status: criteria provided, single submitter. Criteria: ACMG Guidelines, 2015. Collection method: clinical testing. Allele origin: unknown. Affected: yes.
Comment: This variant was classified as: Likely pathogenic. The following ACMG criteria were applied in classifying this variant: PVS1,PM2.